The following is an entry in ClinVar:

NM_001183.6(ATP6AP1):c.932T>A (p.Leu311Gln)

Gene: ATP6AP1 (ATPase H+ transporting accessory protein 1; plus strand). Cytogenetic location: Xq28.
Variant type: single nucleotide variant.
Coding change: c.932T>A on transcript NM_001183.6 (MANE Select); coding-DNA position 932, T replaced by A.
Protein change: p.Leu311Gln; replaces leucine 311 with glutamine.
Molecular consequence: missense variant.
Genome position (GRCh38, 1-based): chrX:154,435,147, T>A. VCF-style: chrX-154435147-T-A. GRCh37 (hg19) VCF-style: chrX-153663493-T-A.
Other names: short protein forms L311Q.
Identifiers: ClinVar variation 804234 (VCV000804234.4), dbSNP rs1603384499, ClinGen allele CA415194767.
Genomic context (GRCh38, chrX:154,435,147, plus strand): 5'-GCCAAAGGCCCTCCCAGAGCCTCACAGTGCGCCTCTTTCTCTGGCCCCACAGGCTCTCAC[T>A]GACCTATGAACGACTCTTTGGTACCACAGTGACATTCAAGTGAGTCCTGGGGGTGGTTGA-3'
Protein context (NP_001174.2, residues 301-321): FWNDSFARLS[Leu311Gln]TYERLFGTTV

ClinVar aggregate classification (germline): Uncertain significance. Review status: criteria provided, single submitter (1 of 4 stars). 3 submissions from 3 submitters: Uncertain significance (1). 2 of the submissions do not count toward it. Last evaluated 2018-11-20.

Conditions:
Immunodeficiency 47 (IMD47). Also called: IMMUNODEFICIENCY AND HEPATOPATHY WITH OR WITHOUT NEUROLOGIC FEATURES. Identifiers: Orphanet 692790, MedGen C4310819, MONDO:0010504, OMIM 300972.
ATP6AP1-related disorder. Also called: ATP6AP1-related disorders; ATP6AP1-related condition.

Submissions (3):

Illumina Laboratory Services, Illumina
Classification: Uncertain significance for Immunodeficiency 47. Last evaluated: 2018-11-20. Review status: criteria provided, single submitter. Criteria: ICSLVariantClassificationCriteria RUGD 01 April 2020. Collection method: clinical testing. Allele origin: unknown.
Comment: The ATP6AP1 c.932T>A (p.Leu311Gln) is a missense variant. A literature search was performed for the gene, cDNA change, and amino acid change. No publications were found based on this search. This variant is not found in the Genome Aggregation Database in a region of good sequence coverage so the variant is presumed to be rare. The Leu311 residue is coded by exon 8 and is located in the C-terminal half of the protein. The C-terminal half of the protein has been shown to be important for interaction with the core subunits of the V-ATPase complex (Feng et al. 2008). In addition, three other missense variants in the C-terminal region have been reported in the literature in affected individuals (Jansen et al. 2016). Based on the available evidence, the c.932T>A p.Leu311Gln variant is classified as a variant of uncertain significance for immunodeficiency.

OMIM
Classification: Pathogenic for IMMUNODEFICIENCY 47. Last evaluated: 2020-05-28. Review status: no assertion criteria provided. Collection method: literature only. Allele origin: germline. Not counted in ClinVar's aggregate classification.

Department of Obstetrics and Gynecology, Medical College of Wisconsin
Classification: Uncertain significance for ATP6AP1-related disorders. Last evaluated: 2018-11-20. Review status: no assertion criteria provided. Collection method: provider interpretation. Allele origin: maternal. Inheritance: X-linked recessive inheritance. Affected: yes. Observed: 2 hemizygotes. Clinical features observed: Dysplastic liver nodules, Macronodular cirrhosis (HP:0006577), Ascites (HP:0001541), Unilateral ptosis (HP:0007687), Abnormal gamma-glutamyl transferase, Conjugated hyperbilirubinemia (HP:0002908), Splenomegaly (HP:0001744), Elevated serum alanine aminotransferase, Elevated circulating alpha-fetoprotein concentration (HP:0006254), Elevated serum aspartate aminotransferase, Decreased circulating vitamin D concentration (HP:0100512), Aplasia cutis congenita (HP:0001057), and 5 more. Not counted in ClinVar's aggregate classification.
Comment: The c.932T>A (p. Leu311Gln) missense variant in ATP6AP1 has never been reported in the literature. This variant is not found in the 1000 Genomes Project, or the Exome Aggregation Database and is therefore, presumed to be rare. The Leu311 residue is coded by exon 8 and is located in the C-terminal region of the protein. This part of the protein has been shown to be important in regard to interaction with the core subunits of the V-ATPase complex (Feng et al. 2008). Additionally, three other missense variants in the C-terminal half of the protein have been reported in affected individuals (Jansen et al. 2016). Based on the limited evidence, the c.932T>A variant is classified as a variant of uncertain significance for ATP6AP1-related disorders.

Literature cited by the submitters: PubMed 32058063 (cited by OMIM).